The following is an entry in ClinVar:

ClinVar aggregate classification (germline): Uncertain significance (1 of 4 stars; one submission).

Allele frequency attached by ClinVar (database versions not stated): gnomAD exomes below 0.00001.

Submission:

CeGaT Center for Human Genetics Tuebingen
Classification: Uncertain significance. Last evaluated: 2024-03-01. Review status: criteria provided, single submitter. Criteria: CeGaT Center For Human Genetics Tuebingen Variant Classification Criteria Version 2. Collection method: clinical testing. Allele origin: germline. Affected: yes. Observed: 1 variant allele.
Comment: TBR1: PM2, PP2, PP3

NM_006593.4(TBR1):c.1877C>G (p.Ser626Cys)

Gene: TBR1 (T-box brain transcription factor 1; plus strand). Cytogenetic location: 2q24.2.
Variant type: single nucleotide variant.
Coding change: c.1877C>G on transcript NM_006593.4 (MANE Select); coding-DNA position 1877, C replaced by G.
Protein change: p.Ser626Cys; replaces serine 626 with cysteine.
Molecular consequence: missense variant.
Genome position (GRCh38, 1-based): chr2:161,424,055, C>G. VCF-style: chr2-161424055-C-G. GRCh37 (hg19) VCF-style: chr2-162280566-C-G.
Other names: short protein forms S626C.
Identifiers: ClinVar variation 3234427 (VCV003234427.20), dbSNP rs2468100625, ClinGen allele CA349214665.
Genomic context (GRCh38, chr2:161,424,055, plus strand): 5'-CCAAGGACCTGTCCGATTCCAGCTGGATCGAGACGCCCTCCTCGATCAAGTCCATCGACT[C>G]CAGCGACTCGGGGATTTACGAGCAGGCCAAGCGGAGGCGGATCTCGCCGGCCGACACGCC-3'
Protein context (NP_006584.1, residues 616-636): ETPSSIKSID[Ser626Cys]SDSGIYEQAK